The following is an entry in ClinVar:

NM_000263.4(NAGLU):c.1880C>T (p.Ala627Val)

Gene: NAGLU (N-acetyl-alpha-glucosaminidase; plus strand). Cytogenetic location: 17q21.2.
Variant type: single nucleotide variant.
Coding change: c.1880C>T on transcript NM_000263.4 (MANE Select); coding-DNA position 1880, C replaced by T.
Protein change: p.Ala627Val; replaces alanine 627 with valine.
Molecular consequence: missense variant.
Genome position (GRCh38, 1-based): chr17:42,543,886, C>T. VCF-style: chr17-42543886-C-T. GRCh37 (hg19) VCF-style: chr17-40695904-C-T.
Other names: c.1880C>T (NM_000263.3); short protein forms A627V.
Identifiers: ClinVar variation 1489486 (VCV001489486.4), dbSNP rs140905880, ClinGen allele CA8577111.
Genomic context (GRCh38, chr17:42,543,886, plus strand): 5'-ACGAGGTGCTGGCTAGTGACAGCCGCTTCTTGCTGGGCAGCTGGCTAGAGCAGGCCCGAG[C>T]AGCGGCAGTCAGTGAGGCCGAGGCCGATTTCTACGAGCAGAACAGCCGCTACCAGCTGAC-3'
Protein context (NP_000254.2, residues 617-637): LLGSWLEQAR[Ala627Val]AAVSEAEADF

ClinVar aggregate classification (germline): Uncertain significance. Review status: criteria provided, multiple submitters, no conflicts (2 of 4 stars). 2 submissions from 2 submitters: Uncertain significance (2). Last evaluated 2025-06-13.

Conditions:
Mucopolysaccharidosis, MPS-III-B (MPS3B). Also called: N-ACETYL-ALPHA-D-GLUCOSAMINIDASE DEFICIENCY; NAGLU DEFICIENCY; SANFILIPPO SYNDROME B; MPS III B; MPS IIIB (Sanfilippo Syndrome Type B); MUCOPOLYSACCHARIDOSIS, TYPE IIIB. Identifiers: Orphanet 79270, MedGen C0086648, MONDO:0009656, OMIM 252920.
Charcot-Marie-Tooth disease axonal type 2V. Also called: CHARCOT-MARIE-TOOTH NEUROPATHY, TYPE 2V; CHARCOT-MARIE-TOOTH DISEASE, AXONAL, AUTOSOMAL DOMINANT, TYPE 2V. Identifiers: Orphanet 447964, MedGen C5569050, MONDO:0014665, OMIM 616491.
Inborn genetic diseases. Identifiers: MedGen C0950123, MeSH D030342.

Allele frequency attached by ClinVar (database versions not stated): gnomAD 0.00017; TOPMed 0.00020; ExAC 0.00005; gnomAD exomes 0.00003 and 0.00007; ESP Exome Variant Server 0.00015; 1000 Genomes Project 30x 0.00016; 1000 Genomes Project 0.00020.
gnomAD v4.1: 77 of 1,604,578 alleles (0.0048%); highest among the groups gnomAD compares: African/African-American, 0.093%; no homozygotes.

Submissions (2):

Ambry Genetics
Classification: Uncertain significance for Inborn genetic diseases. Last evaluated: 2025-06-13. Review status: criteria provided, single submitter. Criteria: Ambry Variant Classification Scheme 2023. Collection method: clinical testing. Allele origin: germline.
Comment: The c.1880C>T (p.A627V) alteration is located in exon 6 (coding exon 6) of the NAGLU gene. This alteration results from a C to T substitution at nucleotide position 1880, causing the alanine (A) at amino acid position 627 to be replaced by a valine (V). Based on data from gnomAD, the T allele has an overall frequency of 0.008% (22/261220) total alleles studied. The highest observed frequency was 0.092% (21/22742) of African alleles. This amino acid position is not well conserved in available vertebrate species. In an assay testing NAGLU function, this variant showed a functionally abnormal result (Clark, 2018). This alteration is predicted to be tolerated by in silico analysis. Based on insufficient or conflicting evidence, the clinical significance of this alteration remains unclear.

Labcorp Genetics (formerly Invitae), Labcorp
Classification: Uncertain significance for Charcot-Marie-Tooth disease axonal type 2V; Mucopolysaccharidosis, MPS-III-B. Last evaluated: 2022-08-21. Review status: criteria provided, single submitter. Criteria: Invitae Variant Classification Sherloc (09022015). Collection method: clinical testing. Allele origin: germline.
Comment: This sequence change replaces alanine, which is neutral and non-polar, with valine, which is neutral and non-polar, at codon 627 of the NAGLU protein (p.Ala627Val). This variant is present in population databases (rs140905880, gnomAD 0.08%). This variant has not been reported in the literature in individuals affected with NAGLU-related conditions. ClinVar contains an entry for this variant (Variation ID: 1489486). Advanced modeling of protein sequence and biophysical properties (such as structural, functional, and spatial information, amino acid conservation, physicochemical variation, residue mobility, and thermodynamic stability) performed at Invitae indicates that this missense variant is not expected to disrupt NAGLU protein function. Experimental studies have shown that this missense change affects NAGLU function (PMID: 29979746). In summary, the available evidence is currently insufficient to determine the role of this variant in disease. Therefore, it has been classified as a Variant of Uncertain Significance.

Literature cited by the submitters: PubMed 29979746 (cited by Ambry Genetics and Labcorp Genetics (formerly Invitae), Labcorp).